The following is an entry in ClinVar:

ClinVar aggregate classification (germline): Uncertain significance (1 of 4 stars; one submission).

Allele frequency attached by ClinVar (database versions not stated): gnomAD 0.00001; gnomAD exomes 0.00001; TOPMed 0.00001.
gnomAD v4.1: 14 of 1,607,674 alleles (0.00087%); highest among the groups gnomAD compares: Non-Finnish European, 0.001%; no homozygotes.

Submission:

Labcorp Genetics (formerly Invitae), Labcorp
Classification: Uncertain significance. Last evaluated: 2022-12-06. Review status: criteria provided, single submitter. Criteria: Invitae Variant Classification Sherloc (09022015). Collection method: clinical testing. Allele origin: germline.
Comment: In summary, the available evidence is currently insufficient to determine the role of this variant in disease. Therefore, it has been classified as a Variant of Uncertain Significance. Algorithms developed to predict the effect of missense changes on protein structure and function output the following: SIFT: "Tolerated"; PolyPhen-2: "Not Available"; Align-GVGD: "Class C0". The alanine amino acid residue is found in multiple mammalian species, which suggests that this missense change does not adversely affect protein function. ClinVar contains an entry for this variant (Variation ID: 1469258). This variant has not been reported in the literature in individuals affected with PTPN23-related conditions. This variant is not present in population databases (gnomAD no frequency). This sequence change replaces valine, which is neutral and non-polar, with alanine, which is neutral and non-polar, at codon 851 of the PTPN23 protein (p.Val851Ala).

NM_015466.4(PTPN23):c.2552T>C (p.Val851Ala)

Gene: PTPN23 (protein tyrosine phosphatase non-receptor type 23; plus strand). Cytogenetic location: 3p21.31.
Variant type: single nucleotide variant.
Coding change: c.2552T>C on transcript NM_015466.4 (MANE Select); coding-DNA position 2552, T replaced by C.
Protein change: p.Val851Ala; replaces valine 851 with alanine.
Molecular consequence: missense variant.
Genome position (GRCh38, 1-based): chr3:47,410,350, T>C. VCF-style: chr3-47410350-T-C. GRCh37 (hg19) VCF-style: chr3-47451840-T-C.
Other names: c.2174T>C, p.Val725Ala (NM_001304482.2); short protein forms V851A, V725A.
Identifiers: ClinVar variation 1469258 (VCV001469258.7), dbSNP rs923675771, ClinGen allele CA73880373.